The following is an entry in ClinVar:

ClinVar aggregate classification (germline): Uncertain significance (1 of 4 stars; one submission).

Conditions:
BBS7-related disorder. Also called: BBS7-related condition.

Submission:

PreventionGenetics, part of Exact Sciences
Classification: Uncertain significance for BBS7-related condition. Last evaluated: 2025-01-08. Review status: criteria provided, single submitter. Criteria: ACMG Guidelines, 2015. Collection method: clinical testing. Allele origin: germline.
Comment: The BBS7 c.631A>G variant is predicted to result in the amino acid substitution p.Thr211Ala. To our knowledge, this variant has not been reported in the literature or in a large population database (gnomAD), indicating this variant is rare. Of note, a different variant affecting this amino acid has been reported as causative for Bardet-Biedl syndrome (c.632C>T, p.Thr211Ile; Badano et al. 2003. PubMed ID: 12567324; Zaghloul et al. 2010. PubMed ID: 20498079; Chen et al. 2011. PubMed ID: 21642631). Although we suspect that the c.631A>G variant may be pathogenic, at this time, the clinical significance of this variant is uncertain due to the absence of conclusive functional and genetic evidence.

NM_176824.3(BBS7):c.631A>G (p.Thr211Ala)

Gene: BBS7 (Bardet-Biedl syndrome 7; minus strand). Cytogenetic location: 4q27.
Variant type: single nucleotide variant.
Coding change: c.631A>G on transcript NM_176824.3 (MANE Select); coding-DNA position 631, A replaced by G.
Protein change: p.Thr211Ala; replaces threonine 211 with alanine.
Molecular consequence: missense variant.
Genome position (GRCh38, 1-based): chr4:121,854,791, T>C on the plus strand (A>G on the coding strand, the complement: BBS7 is on the minus strand). VCF-style: chr4-121854791-T-C. GRCh37 (hg19) VCF-style: chr4-122775946-T-C.
Other names: c.631A>G, p.Thr211Ala (NM_018190.4); short protein forms T211A.
Identifiers: ClinVar variation 3351770 (VCV003351770.2).